The following is an entry in ClinVar:

NM_001267550.2(TTN):c.87939T>G (p.Tyr29313Ter)

Genes: TTN (titin; minus strand), TTN-AS1 (TTN antisense RNA 1; plus strand). Cytogenetic location: 2q31.2.
Variant type: single nucleotide variant.
Coding change: c.87939T>G on transcript NM_001267550.2 (MANE Select); coding-DNA position 87939, T replaced by G.
Protein change: p.Tyr29313Ter; replaces tyrosine 29313 with a stop codon.
Molecular consequence: nonsense.
Genome position (GRCh38, 1-based): chr2:178,557,323, A>C on the plus strand (T>G on the coding strand, the complement: TTN is on the minus strand). VCF-style: chr2-178557323-A-C. GRCh37 (hg19) VCF-style: chr2-179422050-A-C.
Other names: c.61320T>G, p.Tyr20440Ter (NM_133437.4); c.83016T>G, p.Tyr27672Ter (NM_001256850.1); c.60744T>G, p.Tyr20248Ter (NM_003319.4); c.80235T>G, p.Tyr26745Ter (NM_133378.4); c.61119T>G, p.Tyr20373Ter (NM_133432.3); short protein forms Y20440*, Y26745*, Y27672*, Y20373*, Y29313*, Y20248*.
Identifiers: ClinVar variation 1523552 (VCV001523552.9), dbSNP rs200314496, ClinGen allele CA349532892.

ClinVar aggregate classification (germline): Likely pathogenic. Review status: criteria provided, multiple submitters, no conflicts (2 of 4 stars). 3 submissions from 3 submitters: Likely pathogenic (3). Last evaluated 2024-06-04.

Conditions:
Dilated cardiomyopathy 1G (CMD1G). Identifiers: Orphanet 154, MedGen C1858763, MONDO:0011400, OMIM 604145.
Autosomal recessive limb-girdle muscular dystrophy type 2J (LGMDR10). Also called: Limb-girdle muscular dystrophy, type 2J; MUSCULAR DYSTROPHY, LIMB-GIRDLE, AUTOSOMAL RECESSIVE 10. Identifiers: Orphanet 140922, MedGen C1837342, MONDO:0012127, OMIM 608807.
Cardiovascular phenotype. Identifiers: MedGen CN230736.

Submissions (3):

KardioGenetik, Herz- und Diabeteszentrum NRW
Classification: Likely pathogenic for Dilated cardiomyopathy 1G. Last evaluated: 2024-06-04. Review status: criteria provided, single submitter. Criteria: ACMG Guidelines, 2015. Collection method: clinical testing. Allele origin: unknown. Affected: yes. Observed: 1 variant allele.
Comment: PVS1, PM2_supporting

Labcorp Genetics (formerly Invitae), Labcorp
Classification: Likely pathogenic for Dilated cardiomyopathy 1G; Autosomal recessive limb-girdle muscular dystrophy type 2J. Last evaluated: 2021-08-19. Review status: criteria provided, single submitter. Criteria: Invitae Variant Classification Sherloc (09022015). Collection method: clinical testing. Allele origin: germline.
Comment: In summary, the currently available evidence indicates that the variant is pathogenic, but additional data are needed to prove that conclusively. Therefore, this variant has been classified as Likely Pathogenic. This variant is located in the A band of TTN (PMID: 25589632). Truncating variants in this region are significantly overrepresented in patients affected with dilated cardiomyopathy (PMID: 25589632). Truncating variants in this region have also been reported in individuals affected with autosomal recessive centronuclear myopathy (PMID: 23975875). This variant has not been reported in the literature in individuals affected with TTN-related conditions. This variant is not present in population databases (ExAC no frequency). This sequence change creates a premature translational stop signal (p.Tyr29313*) in the TTN gene. While this is not anticipated to result in nonsense mediated decay, it is expected to create a truncated TTN protein.

Ambry Genetics
Classification: Likely pathogenic for Cardiovascular phenotype. Last evaluated: 2020-01-31. Review status: criteria provided, single submitter. Criteria: Ambry Variant Classification Scheme 2023. Collection method: clinical testing. Allele origin: germline.
Comment: The p.Y20248* variant (also known as c.60744T>G), located in coding exon 156 of the TTN gene, results from a T to G substitution at nucleotide position 60744. This changes the amino acid from a tyrosine to a stop codon within coding exon 156. This exon is located in the A-band region of the N2-B isoform of the titin protein and is constitutively expressed in TTN transcripts (percent spliced in or PSI 100%). This alteration is expected to result in loss of function by premature protein truncation or nonsense-mediated mRNA decay. While truncating variants in TTN are present in 1-3% of the general population, truncating variants in the A-band are the most common cause of dilated cardiomyopathy (DCM) (Herman DS et al. N. Engl. J. Med., 2012 Feb;366:619-28; Roberts AM et al. Sci Transl Med, 2015 Jan;7:270ra6). TTN truncating variants encoded in constitutive exons (PSI >90%) have been found to be significantly associated with DCM regardless of their position in titin (Schafer S et al. Nat. Genet., 2017 01;49:46-53). As such, this alteration is classified as likely pathogenic.

Literature cited by the submitters: PubMed 25589632 (cited by Labcorp Genetics (formerly Invitae), Labcorp); PubMed 23975875 (cited by Labcorp Genetics (formerly Invitae), Labcorp).